The following is an entry in ClinVar:

NM_005888.3(SLC25A3):c.-74C>T

Gene: SLC25A3 (solute carrier family 25 member 3; plus strand). Cytogenetic location: 12q23.1.
Variant type: single nucleotide variant.
Coding change: c.-74C>T on transcript NM_005888.3; 74 bases upstream of the start codon, C replaced by T.
Genome position (GRCh38, 1-based): chr12:98,593,671, C>T. VCF-style: chr12-98593671-C-T. GRCh37 (hg19) VCF-style: chr12-98987449-C-T.
Identifiers: ClinVar variation 310793 (VCV000310793.7), dbSNP rs532766014, ClinGen allele CA10633768.

ClinVar aggregate classification (germline): Likely benign (1 of 4 stars; one submission).

Conditions:
Cardiomyopathy-hypotonia-lactic acidosis syndrome (MPCD). Identifiers: Orphanet 91130, MedGen C1835845, MONDO:0012557, OMIM 610773.

Allele frequency attached by ClinVar (database versions not stated): gnomAD 0.00024 and 0.00035; TOPMed 0.00029; 1000 Genomes Project 30x 0.00141; gnomAD exomes 0.00080; 1000 Genomes Project 0.00160.

Submission:

Illumina Laboratory Services, Illumina
Classification: Likely benign for Cardiomyopathy-hypotonia-lactic acidosis syndrome. Last evaluated: 2018-01-13. Review status: criteria provided, single submitter. Criteria: ICSL Variant Classification Criteria 13 December 2019. Collection method: clinical testing. Allele origin: germline.
Comment: This variant was observed in the ICSL laboratory as part of a predisposition screen in an ostensibly healthy population. It had not been previously curated by ICSL or reported in the Human Gene Mutation Database (HGMD: prior to June 1st, 2018), and was therefore a candidate for classification through an automated scoring system. Utilizing variant allele frequency, disease prevalence and penetrance estimates, and inheritance mode, an automated score was calculated to assess if this variant is too frequent to cause the disease. Based on the score and internal cut-off values, a variant classified as likely benign is not then subjected to further curation. The score for this variant resulted in a classification of likely benign for this disease.